The following is an entry in ClinVar:

NM_004974.4(KCNA2):c.86A>C (p.His29Pro)

Gene: KCNA2 (potassium voltage-gated channel subfamily A member 2; minus strand). Cytogenetic location: 1p13.3.
Variant type: single nucleotide variant.
Coding change: c.86A>C on transcript NM_004974.4 (MANE Select); coding-DNA position 86, A replaced by C.
Protein change: p.His29Pro; replaces histidine 29 with proline.
Molecular consequence: missense variant.
Genome position (GRCh38, 1-based): chr1:110,604,697, T>G on the plus strand (A>C on the coding strand, the complement: KCNA2 is on the minus strand). VCF-style: chr1-110604697-T-G. GRCh37 (hg19) VCF-style: chr1-111147319-T-G.
Other names: c.86A>C, p.His29Pro (NM_001204269.2); short protein forms H29P.
Identifiers: ClinVar variation 2747038 (VCV002747038.3), dbSNP rs2524623592, ClinGen allele CA341607054.

ClinVar aggregate classification (germline): Uncertain significance (1 of 4 stars; one submission).

Conditions:
Developmental and epileptic encephalopathy, 32 (DEE32). Also called: Epileptic encephalopathy, early infantile, 32. Identifiers: Orphanet 442835, MedGen C4225350, MONDO:0014607, OMIM 616366.

Submission:

Labcorp Genetics (formerly Invitae), Labcorp
Classification: Uncertain significance for Developmental and epileptic encephalopathy, 32. Last evaluated: 2024-05-15. Review status: criteria provided, single submitter. Criteria: Invitae Variant Classification Sherloc (09022015). Collection method: clinical testing. Allele origin: germline.
Comment: This sequence change replaces histidine, which is basic and polar, with proline, which is neutral and non-polar, at codon 29 of the KCNA2 protein (p.His29Pro). This variant is not present in population databases (gnomAD no frequency). This variant has not been reported in the literature in individuals affected with KCNA2-related conditions. Advanced modeling of protein sequence and biophysical properties (such as structural, functional, and spatial information, amino acid conservation, physicochemical variation, residue mobility, and thermodynamic stability) performed at Invitae indicates that this missense variant is not expected to disrupt KCNA2 protein function with a negative predictive value of 80%. In summary, the available evidence is currently insufficient to determine the role of this variant in disease. Therefore, it has been classified as a Variant of Uncertain Significance.